The following is an entry in ClinVar:

NM_000039.3(APOA1):c.485A>C (p.Gln162Pro)

Genes: APOA1 (apolipoprotein A1; minus strand), APOA1-AS (APOA1 antisense RNA; plus strand). Cytogenetic location: 11q23.3.
Variant type: single nucleotide variant.
Coding change: c.485A>C on transcript NM_000039.3 (MANE Select); coding-DNA position 485, A replaced by C.
Protein change: p.Gln162Pro; replaces glutamine 162 with proline.
Molecular consequence: missense variant. On other transcripts: non-coding transcript variant (1).
Genome position (GRCh38, 1-based): chr11:116,836,127, T>G on the plus strand (A>C on the coding strand, the complement: APOA1 is on the minus strand). VCF-style: chr11-116836127-T-G. GRCh37 (hg19) VCF-style: chr11-116706843-T-G.
Other names: c.485A>C, p.Gln162Pro (NM_001318017.2, NM_001318018.2); c.158A>C, p.Gln53Pro (NM_001318021.2); short protein forms Q53P, Q162P.
Identifiers: ClinVar variation 2624796 (VCV002624796.3), dbSNP rs780347391, ClinGen allele CA6289799.

ClinVar aggregate classification (germline): Uncertain significance. Review status: criteria provided, multiple submitters, no conflicts (2 of 4 stars). 2 submissions from 2 submitters: Uncertain significance (2). Last evaluated 2023-07-11.

Conditions:
Cardiovascular phenotype. Identifiers: MedGen CN230736.

Allele frequency attached by ClinVar (database versions not stated): ExAC 0.00001; gnomAD exomes 0.00001.

Submissions (2):

GeneDx
Classification: Uncertain significance. Last evaluated: 2023-07-11. Review status: criteria provided, single submitter. Criteria: GeneDx Variant Classification Process June 2021. Collection method: clinical testing. Allele origin: germline. Affected: yes.
Comment: Not observed at significant frequency in large population cohorts (gnomAD); In silico analysis supports that this missense variant has a deleterious effect on protein structure/function; Has not been previously published as pathogenic or benign to our knowledge

Ambry Genetics
Classification: Uncertain significance for Cardiovascular phenotype. Last evaluated: 2023-06-29. Review status: criteria provided, single submitter. Criteria: Ambry Variant Classification Scheme 2023. Collection method: clinical testing. Allele origin: germline.
Comment: The p.Q162P variant (also known as c.485A>C), located in coding exon 3 of the APOA1 gene, results from an A to C substitution at nucleotide position 485. The glutamine at codon 162 is replaced by proline, an amino acid with similar properties. This amino acid position is conserved. In addition, the in silico prediction for this alteration is inconclusive. Since supporting evidence is limited at this time, the clinical significance of this alteration remains unclear.